The following is an entry in ClinVar:

ClinVar aggregate classification (germline): Uncertain significance. Review status: criteria provided, multiple submitters, no conflicts (2 of 4 stars). 2 submissions from 2 submitters: Uncertain significance (2). Last evaluated 2022-08-31.

Conditions:
Distal arthrogryposis. Identifiers: Orphanet 97120, MedGen C0265213, MONDO:0019942, HP:0005684.

Allele frequency attached by ClinVar (database versions not stated): gnomAD exomes 0.00003 and 0.00001; ExAC 0.00001; gnomAD 0.00003.
gnomAD v4.1: 13 of 1,611,850 alleles (0.00081%); highest among the groups gnomAD compares: Admixed American, 0.01%; no homozygotes.

Submissions (2):

Genetics and Molecular Pathology, SA Pathology
Classification: Uncertain significance for Distal arthrogryposis. Last evaluated: 2022-08-31. Review status: criteria provided, single submitter. Criteria: ACMG Guidelines, 2015. Collection method: clinical testing. Allele origin: germline. Affected: yes.

Labcorp Genetics (formerly Invitae), Labcorp
Classification: Uncertain significance. Last evaluated: 2021-12-03. Review status: criteria provided, single submitter. Criteria: Invitae Variant Classification Sherloc (09022015). Collection method: clinical testing. Allele origin: germline.
Comment: This variant is present in population databases (rs755833851, gnomAD 0.01%). In summary, the available evidence is currently insufficient to determine the role of this variant in disease. Therefore, it has been classified as a Variant of Uncertain Significance. Algorithms developed to predict the effect of missense changes on protein structure and function (SIFT, PolyPhen-2, Align-GVGD) all suggest that this variant is likely to be disruptive. This variant has not been reported in the literature in individuals affected with MYH3-related conditions. This sequence change replaces arginine, which is basic and polar, with tryptophan, which is neutral and slightly polar, at codon 1150 of the MYH3 protein (p.Arg1150Trp).

NM_002470.4(MYH3):c.3448C>T (p.Arg1150Trp)

Gene: MYH3 (myosin heavy chain 3; minus strand). Cytogenetic location: 17p13.1.
Variant type: single nucleotide variant.
Coding change: c.3448C>T on transcript NM_002470.4 (MANE Select); coding-DNA position 3448, C replaced by T.
Protein change: p.Arg1150Trp; replaces arginine 1150 with tryptophan.
Molecular consequence: missense variant.
Genome position (GRCh38, 1-based): chr17:10,638,324, G>A on the plus strand (C>T on the coding strand, the complement: MYH3 is on the minus strand). VCF-style: chr17-10638324-G-A. GRCh37 (hg19) VCF-style: chr17-10541641-G-A.
Other names: short protein forms R1150W.
Identifiers: ClinVar variation 1441918 (VCV001441918.7), dbSNP rs755833851, ClinGen allele CA8392512.